The following is an entry in ClinVar:

ClinVar aggregate classification (germline): Uncertain significance (1 of 4 stars; one submission).

Allele frequency attached by ClinVar (database versions not stated): gnomAD exomes below 0.00001.
gnomAD v4.1: 2 of 1,613,088 alleles (0.00012%); highest among the groups gnomAD compares: Non-Finnish European, 0.00017%; no homozygotes.

Submission:

Labcorp Genetics (formerly Invitae), Labcorp
Classification: Uncertain significance. Last evaluated: 2021-04-17. Review status: criteria provided, single submitter. Criteria: Invitae Variant Classification Sherloc (09022015). Collection method: clinical testing. Allele origin: germline.
Comment: This variant is not present in population databases (ExAC no frequency). In summary, the available evidence is currently insufficient to determine the role of this variant in disease. Therefore, it has been classified as a Variant of Uncertain Significance. Algorithms developed to predict the effect of missense changes on protein structure and function (SIFT, PolyPhen-2, Align-GVGD) all suggest that this variant is likely to be tolerated, but these predictions have not been confirmed by published functional studies and their clinical significance is uncertain. This variant has not been reported in the literature in individuals with FGFR3-related conditions. This sequence change replaces aspartic acid with glycine at codon 512 of the FGFR3 protein (p.Asp512Gly). The aspartic acid residue is highly conserved and there is a moderate physicochemical difference between aspartic acid and glycine.

NM_000142.5(FGFR3):c.1535A>G (p.Asp512Gly)

Gene: FGFR3 (fibroblast growth factor receptor 3; plus strand). Cytogenetic location: 4p16.3.
Variant type: single nucleotide variant.
Coding change: c.1535A>G on transcript NM_000142.5 (MANE Select); coding-DNA position 1535, A replaced by G.
Protein change: p.Asp512Gly; replaces aspartic acid 512 with glycine.
Molecular consequence: missense variant. On other transcripts: non-coding transcript variant (1).
Genome position (GRCh38, 1-based): chr4:1,805,559, A>G. VCF-style: chr4-1805559-A-G. GRCh37 (hg19) VCF-style: chr4-1807286-A-G.
Other names: c.1541A>G, p.Asp514Gly (NM_001163213.2); c.1538A>G, p.Asp513Gly (NM_001354809.2, NM_001354810.2); c.1199A>G, p.Asp400Gly (NM_022965.4); short protein forms D400G, D512G, D513G, D514G.
Identifiers: ClinVar variation 1680086 (VCV001680086.8), dbSNP rs2108803057, ClinGen allele CA355981392.